The following is an entry in ClinVar:

ClinVar aggregate classification (germline): Uncertain significance (1 of 4 stars; one submission).

Conditions:
Dyskeratosis congenita, autosomal recessive 6 (DKCB6). Identifiers: MedGen C4225356, MONDO:0014600, OMIM 616353.
Pulmonary fibrosis and/or bone marrow failure, Telomere-related, 4. Also called: PULMONARY FIBROSIS AND/OR BONE MARROW FAILURE SYNDROME, TELOMERE-RELATED, 4. Identifiers: Orphanet 2032, MedGen C4225347, MONDO:0014612, OMIM 616371.

Submission:

Labcorp Genetics (formerly Invitae), Labcorp
Classification: Uncertain significance for Dyskeratosis congenita, autosomal recessive 6; Pulmonary fibrosis and/or bone marrow failure, Telomere-related, 4. Last evaluated: 2023-12-10. Review status: criteria provided, single submitter. Criteria: Invitae Variant Classification Sherloc (09022015). Collection method: clinical testing. Allele origin: germline.
Comment: This sequence change replaces glutamic acid, which is acidic and polar, with glycine, which is neutral and non-polar, at codon 352 of the PARN protein (p.Glu352Gly). This variant is not present in population databases (gnomAD no frequency). This variant has not been reported in the literature in individuals affected with PARN-related conditions. Advanced modeling of protein sequence and biophysical properties (such as structural, functional, and spatial information, amino acid conservation, physicochemical variation, residue mobility, and thermodynamic stability) performed at Invitae indicates that this missense variant is not expected to disrupt PARN protein function with a negative predictive value of 80%. In summary, the available evidence is currently insufficient to determine the role of this variant in disease. Therefore, it has been classified as a Variant of Uncertain Significance.

NM_002582.4(PARN):c.1055A>G (p.Glu352Gly)

Gene: PARN (poly(A)-specific ribonuclease; minus strand). Cytogenetic location: 16p13.12.
Variant type: single nucleotide variant.
Coding change: c.1055A>G on transcript NM_002582.4 (MANE Select); coding-DNA position 1055, A replaced by G.
Protein change: p.Glu352Gly; replaces glutamic acid 352 with glycine.
Molecular consequence: missense variant.
Genome position (GRCh38, 1-based): chr16:14,584,373, T>C on the plus strand (A>G on the coding strand, the complement: PARN is on the minus strand). VCF-style: chr16-14584373-T-C. GRCh37 (hg19) VCF-style: chr16-14678230-T-C.
Other names: c.872A>G, p.Glu291Gly (NM_001134477.3); c.917A>G, p.Glu306Gly (NM_001242992.2); short protein forms E352G, E306G, E291G.
Identifiers: ClinVar variation 2936139 (VCV002936139.3), dbSNP rs2507860242, ClinGen allele CA394802809.